The following is an entry in ClinVar:

NM_000156.6(GAMT):c.586G>A (p.Ala196Thr)

Gene: GAMT (guanidinoacetate N-methyltransferase; minus strand). Cytogenetic location: 19p13.3.
Variant type: single nucleotide variant.
Coding change: c.586G>A on transcript NM_000156.6 (MANE Select); coding-DNA position 586, G replaced by A.
Protein change: p.Ala196Thr; replaces alanine 196 with threonine.
Molecular consequence: missense variant.
Genome position (GRCh38, 1-based): chr19:1,397,484, C>T on the plus strand (G>A on the coding strand, the complement: GAMT is on the minus strand). VCF-style: chr19-1397484-C-T. GRCh37 (hg19) VCF-style: chr19-1397483-C-T.
Other names: short protein forms A196T.
Identifiers: ClinVar variation 971375 (VCV000971375.8), dbSNP rs1355291180, ClinGen allele CA402991005.

ClinVar aggregate classification (germline): Uncertain significance. Review status: criteria provided, single submitter (1 of 4 stars). 2 submissions from 2 submitters: Uncertain significance (1). 1 of the submissions does not count toward it. Last evaluated 2022-07-05.

Conditions:
Cerebral creatine deficiency syndrome. Also called: Creatine deficiency syndromes. Identifiers: Orphanet 79172, MedGen C5244016, MONDO:0000456.
Deficiency of guanidinoacetate methyltransferase (CCDS2). Also called: GAMT DEFICIENCY; CEREBRAL CREATINE DEFICIENCY SYNDROME 2; Guanidinoacetate Methyltransferase (GAMT) Deficiency. Identifiers: Orphanet 382, MedGen C0574080, MONDO:0012999, OMIM 612736.

Allele frequency attached by ClinVar (database versions not stated): gnomAD exomes 0.00001; TOPMed 0.00001.
gnomAD v4.1: 8 of 1,605,320 alleles (0.0005%); highest among the groups gnomAD compares: East Asian, 0.011%; no homozygotes.

Submissions (2):

Labcorp Genetics (formerly Invitae), Labcorp
Classification: Uncertain significance for Cerebral creatine deficiency syndrome. Last evaluated: 2022-07-05. Review status: criteria provided, single submitter. Criteria: Invitae Variant Classification Sherloc (09022015). Collection method: clinical testing. Allele origin: germline.
Comment: This sequence change replaces alanine, which is neutral and non-polar, with threonine, which is neutral and polar, at codon 196 of the GAMT protein (p.Ala196Thr). This variant is present in population databases (no rsID available, gnomAD 0.01%). This missense change has been observed in individual(s) with clinical features of GAMT-related conditions (PMID: 26319512). ClinVar contains an entry for this variant (Variation ID: 971375). Algorithms developed to predict the effect of missense changes on protein structure and function (SIFT, PolyPhen-2, Align-GVGD) all suggest that this variant is likely to be tolerated. Experimental studies have shown that this missense change does not substantially affect GAMT function (PMID: 26319512). In summary, the available evidence is currently insufficient to determine the role of this variant in disease. Therefore, it has been classified as a Variant of Uncertain Significance.

Natera, Inc.
Classification: Uncertain significance for Guanidinoacetate methyltransferase deficiency. Last evaluated: 2020-02-05. Review status: no assertion criteria provided. Collection method: clinical testing. Allele origin: germline. Not counted in ClinVar's aggregate classification.

Literature cited by the submitters: PubMed 26319512 (cited by Labcorp Genetics (formerly Invitae), Labcorp).